The following is an entry in ClinVar:

NM_015692.5(CPAMD8):c.1916A>G (p.Gln639Arg)

Gene: CPAMD8 (C3 and PZP like alpha-2-macroglobulin domain containing 8; minus strand). Cytogenetic location: 19p13.11.
Variant type: single nucleotide variant.
Coding change: c.1916A>G on transcript NM_015692.5 (MANE Select); coding-DNA position 1916, A replaced by G.
Protein change: p.Gln639Arg; replaces glutamine 639 with arginine.
Molecular consequence: missense variant. On other transcripts: non-coding transcript variant (1).
Genome position (GRCh38, 1-based): chr19:16,975,251, T>C on the plus strand (A>G on the coding strand, the complement: CPAMD8 is on the minus strand). VCF-style: chr19-16975251-T-C. GRCh37 (hg19) VCF-style: chr19-17086061-T-C.
Other names: short protein forms Q639R.
Identifiers: ClinVar variation 1027996 (VCV001027996.1), dbSNP rs528939156, ClinGen allele CA306024581.

ClinVar aggregate classification (germline): Uncertain significance (1 of 4 stars; one submission).

Conditions:
Anterior segment dysgenesis 8 (ASGD8). Identifiers: Orphanet 519388, MedGen C4310622, MONDO:0015017, OMIM 617319.

Allele frequency attached by ClinVar (database versions not stated): TOPMed 0.00003; gnomAD 0.00004 and 0.00007.
gnomAD v4.1: 42 of 1,602,348 alleles (0.0026%); highest among the groups gnomAD compares: African/African-American, 0.027%; no homozygotes.

Submission:

Baylor Genetics
Classification: Uncertain significance for Anterior segment dysgenesis 8. Last evaluated: 2019-11-08. Review status: criteria provided, single submitter. Criteria: ACMG Guidelines, 2015. Collection method: clinical testing. Allele origin: unknown. Affected: yes.
Comment: This variant was determined to be of uncertain significance according to ACMG Guidelines, 2015 [PMID:25741868].